The following is an entry in ClinVar:

ClinVar aggregate classification (germline): Uncertain significance. Review status: criteria provided, multiple submitters, no conflicts (2 of 4 stars). 2 submissions from 2 submitters: Uncertain significance (2). Last evaluated 2026-06-03.

Conditions:
Cardiovascular phenotype. Identifiers: MedGen CN230736.
Myofibrillar myopathy 5. Also called: Filaminopathy (type); FILAMINOPATHY, AUTOSOMAL DOMINANT. Identifiers: Orphanet 171445, MedGen C1836050, MONDO:0012289, OMIM 609524.
Distal myopathy with posterior leg and anterior hand involvement. Also called: WILLIAMS DISTAL MYOPATHY. Identifiers: Orphanet 63273, MedGen C3279722, MONDO:0013550, OMIM 614065.
Hypertrophic cardiomyopathy 26. Also called: Cardiomyopathy, familial hypertrophic, 26. Identifiers: Orphanet 75249, MedGen C4310749, MONDO:0014883, OMIM 617047.

Allele frequency attached by ClinVar (database versions not stated): TOPMed 0.00001.

Submissions (2):

Ambry Genetics
Classification: Uncertain significance for Cardiovascular phenotype. Last evaluated: 2026-06-03. Review status: criteria provided, single submitter. Criteria: Ambry Variant Classification Scheme 2023. Collection method: clinical testing. Allele origin: germline.

Labcorp Genetics (formerly Invitae), Labcorp
Classification: Uncertain significance for Distal myopathy with posterior leg and anterior hand involvement; Myofibrillar myopathy 5; Hypertrophic cardiomyopathy 26. Last evaluated: 2022-07-19. Review status: criteria provided, single submitter. Criteria: Invitae Variant Classification Sherloc (09022015). Collection method: clinical testing. Allele origin: germline.
Comment: ClinVar contains an entry for this variant (Variation ID: 1440674). In summary, the available evidence is currently insufficient to determine the role of this variant in disease. Therefore, it has been classified as a Variant of Uncertain Significance. Algorithms developed to predict the effect of missense changes on protein structure and function (SIFT, PolyPhen-2, Align-GVGD) all suggest that this variant is likely to be tolerated. This variant has not been reported in the literature in individuals affected with FLNC-related conditions. This variant is not present in population databases (gnomAD no frequency). This sequence change replaces glutamine, which is neutral and polar, with lysine, which is basic and polar, at codon 288 of the FLNC protein (p.Gln288Lys).

NM_001458.5(FLNC):c.862C>A (p.Gln288Lys)

Gene: FLNC (filamin C; plus strand). Cytogenetic location: 7q32.1.
Variant type: single nucleotide variant.
Coding change: c.862C>A on transcript NM_001458.5 (MANE Select); coding-DNA position 862, C replaced by A.
Protein change: p.Gln288Lys; replaces glutamine 288 with lysine.
Molecular consequence: missense variant.
Genome position (GRCh38, 1-based): chr7:128,837,648, C>A. VCF-style: chr7-128837648-C-A. GRCh37 (hg19) VCF-style: chr7-128477702-C-A.
Other names: c.862C>A, p.Gln288Lys (NM_001127487.2); c.862C>A (NM_001458.4); short protein forms Q288K.
Identifiers: ClinVar variation 1440674 (VCV001440674.9), dbSNP rs1808151858, ClinGen allele CA369222883.